The following is an entry in ClinVar:

NM_001243925.2(MAPKAPK3):c.504+5G>A

Gene: MAPKAPK3 (MAPK activated protein kinase 3; plus strand). Cytogenetic location: 3p21.2.
Variant type: single nucleotide variant.
Coding change: c.504+5G>A on transcript NM_001243925.2 (MANE Select); 5 bases into the intron after coding-DNA position 504, G replaced by A.
Molecular consequence: intron variant.
Genome position (GRCh38, 1-based): chr3:50,642,337, G>A. VCF-style: chr3-50642337-G-A. GRCh37 (hg19) VCF-style: chr3-50679768-G-A.
Other names: c.504+5G>A (NM_001243926.2, NM_004635.5).
Identifiers: ClinVar variation 965567 (VCV000965567.6), dbSNP rs762540943, ClinGen allele CA2420278.

ClinVar aggregate classification (germline): Uncertain significance (1 of 4 stars; one submission).

Allele frequency attached by ClinVar (database versions not stated): ExAC 0.00001; gnomAD 0.00001; gnomAD exomes 0.00001; TOPMed 0.00001.
gnomAD v4.1: 17 of 1,611,016 alleles (0.0011%); highest among the groups gnomAD compares: Non-Finnish European, 0.0014%; no homozygotes.

Submission:

Labcorp Genetics (formerly Invitae), Labcorp
Classification: Uncertain significance. Last evaluated: 2024-02-24. Review status: criteria provided, single submitter. Criteria: Invitae Variant Classification Sherloc (09022015). Collection method: clinical testing. Allele origin: germline.
Comment: This sequence change falls in intron 7 of the MAPKAPK3 gene. It does not directly change the encoded amino acid sequence of the MAPKAPK3 protein. It affects a nucleotide within the consensus splice site. This variant is present in population databases (rs762540943, gnomAD 0.002%). This variant has not been reported in the literature in individuals affected with MAPKAPK3-related conditions. ClinVar contains an entry for this variant (Variation ID: 965567). Variants that disrupt the consensus splice site are a relatively common cause of aberrant splicing (PMID: 17576681, 9536098). Algorithms developed to predict the effect of sequence changes on RNA splicing suggest that this variant may disrupt the consensus splice site. In summary, the available evidence is currently insufficient to determine the role of this variant in disease. Therefore, it has been classified as a Variant of Uncertain Significance.

Literature cited by the submitters: PubMed 17576681; PubMed 9536098.